The following is an entry in ClinVar:

ClinVar aggregate classification (germline): Likely pathogenic (1 of 4 stars; one submission).

Conditions:
Congenital microcephaly - severe encephalopathy - progressive cerebral atrophy syndrome. Also called: ASNS DEFICIENCY; Asparagine synthetase deficiency. Identifiers: Orphanet 391376, MedGen C3809971, MONDO:0014258, OMIM 615574.

Submission:

Women's Health and Genetics/Laboratory Corporation of America, LabCorp
Classification: Likely pathogenic for Congenital microcephaly - severe encephalopathy - progressive cerebral atrophy syndrome. Last evaluated: 2023-03-22. Review status: criteria provided, single submitter. Criteria: LabCorp Variant Classification Summary - May 2015. Collection method: clinical testing. Allele origin: germline.
Comment: Variant summary: ASNS c.1283delA (p.Tyr428PhefsX9) results in a premature termination codon, predicted to cause a truncation of the encoded protein or absence of the protein due to nonsense mediated decay, which are commonly known mechanisms for disease. Truncations downstream of this position have been classified as pathogenic within ClinVar (e.g. c.1393C>T [p.Arg465Ter]). The variant was absent in 250866 control chromosomes (gnomAD). To our knowledge, no occurrence of c.1283delA in individuals affected with Asparagine Synthetase Deficiency and no experimental evidence demonstrating its impact on protein function have been reported. No clinical diagnostic laboratories have submitted clinical-significance assessments for this variant to ClinVar after 2014. Based on the evidence outlined above, the variant was classified as likely pathogenic.

NM_001673.5(ASNS):c.1283del (p.Tyr428fs)

Genes: ASNS (asparagine synthetase (glutamine-hydrolyzing); minus strand), CZ1P-ASNS (CZ1P-ASNS readthrough; minus strand). Cytogenetic location: 7q21.3.
Variant type: Deletion.
Coding change: c.1283del on transcript NM_001673.5 (MANE Select); coding-DNA position 1283, one base deleted (A; older notation c.1283delA).
Protein change: p.Tyr428fs; shifts the reading frame from tyrosine 428.
Molecular consequence: frameshift variant. On other transcripts: non-coding transcript variant (1).
Genome position (GRCh38, 1-based): chr7:97,853,342, T deleted on the plus strand (A on the coding strand, the reverse complement: ASNS is on the minus strand). VCF-style (leftmost placement, unchanged base first): chr7-97853341-AT-A. GRCh37 (hg19) VCF-style: chr7-97482653-AT-A.
Other names: c.1283delA (NM_133436.3); c.1220del, p.Tyr407fs (NM_001178075.2); c.1034del, p.Tyr345fs (NM_001178076.2, NM_001178077.1); c.1283del, p.Tyr428fs (NM_001352496.2, NM_133436.3, NM_183356.4); short protein forms Y345fs, Y407fs, Y428fs.
Identifiers: ClinVar variation 2501283 (VCV002501283.1), dbSNP rs2484630455, ClinGen allele CA2580615945.